The following is an entry in ClinVar:

ClinVar aggregate classification (germline): Uncertain significance. Review status: criteria provided, multiple submitters, no conflicts (2 of 4 stars). 2 submissions from 2 submitters: Uncertain significance (2). Last evaluated 2025-12-15.

Conditions:
Inborn genetic diseases. Identifiers: MedGen C0950123, MeSH D030342.

Allele frequency attached by ClinVar (database versions not stated): ExAC 0.00004.
gnomAD v4.1: 36 of 1,609,142 alleles (0.0022%); highest among the groups gnomAD compares: Middle Eastern, 0.02%; no homozygotes.

Submissions (2):

Labcorp Genetics (formerly Invitae), Labcorp
Classification: Uncertain significance. Last evaluated: 2025-12-15. Review status: criteria provided, single submitter. Criteria: Invitae Variant Classification Sherloc (09022015). Collection method: clinical testing. Allele origin: germline.
Comment: This sequence change replaces alanine, which is neutral and non-polar, with threonine, which is neutral and polar, at codon 744 of the TELO2 protein (p.Ala744Thr). This variant is present in population databases (rs756091223, gnomAD 0.02%). This variant has not been reported in the literature in individuals affected with TELO2-related conditions. ClinVar contains an entry for this variant (Variation ID: 2362483). Invitae Evidence Modeling of protein sequence and biophysical properties (such as structural, functional, and spatial information, amino acid conservation, physicochemical variation, residue mobility, and thermodynamic stability) has been performed for this missense variant. However, the output from this modeling did not meet the statistical confidence thresholds required to predict the impact of this variant on TELO2 protein function. In summary, the available evidence is currently insufficient to determine the role of this variant in disease. Therefore, it has been classified as a Variant of Uncertain Significance.

Ambry Genetics
Classification: Uncertain significance for Inborn genetic diseases. Last evaluated: 2022-07-06. Review status: criteria provided, single submitter. Criteria: Ambry Variant Classification Scheme 2023. Collection method: clinical testing. Allele origin: germline.

NM_016111.4(TELO2):c.2230G>A (p.Ala744Thr)

Gene: TELO2 (telomere maintenance 2; plus strand). Cytogenetic location: 16p13.3.
Variant type: single nucleotide variant.
Coding change: c.2230G>A on transcript NM_016111.4 (MANE Select); coding-DNA position 2230, G replaced by A.
Protein change: p.Ala744Thr; replaces alanine 744 with threonine.
Molecular consequence: missense variant.
Genome position (GRCh38, 1-based): chr16:1,507,309, G>A. VCF-style: chr16-1507309-G-A. GRCh37 (hg19) VCF-style: chr16-1557310-G-A.
Other names: c.2230G>A, p.Ala744Thr (NM_001351846.2); short protein forms A744T.
Identifiers: ClinVar variation 2362483 (VCV002362483.3), dbSNP rs756091223, ClinGen allele CA7812568.